The following is an entry in ClinVar:

NM_000057.4(BLM):c.1090A>T (p.Arg364Ter)

Gene: BLM (BLM RecQ like helicase; plus strand). Cytogenetic location: 15q26.1.
Variant type: single nucleotide variant.
Coding change: c.1090A>T on transcript NM_000057.4 (MANE Select); coding-DNA position 1090, A replaced by T.
Protein change: p.Arg364Ter; replaces arginine 364 with a stop codon.
Molecular consequence: nonsense. On other transcripts: 5 prime UTR variant (1).
Genome position (GRCh38, 1-based): chr15:90,760,149, A>T. VCF-style: chr15-90760149-A-T. GRCh37 (hg19) VCF-style: chr15-91303379-A-T.
Other names: c.1090A>T (LRG_20t1, NM_000057.3); c.1090A>T, p.Arg364Ter (NM_001287246.2, NM_001287247.2); c.-36A>T (NM_001287248.2); short protein forms R364*.
Identifiers: ClinVar variation 632671 (VCV000632671.12), dbSNP rs1567040469, ClinGen allele CA393842285.

ClinVar aggregate classification (germline): Pathogenic/Likely pathogenic. Review status: criteria provided, multiple submitters, no conflicts (2 of 4 stars). 6 submissions from 6 submitters: Pathogenic (4); Likely pathogenic (2). Last evaluated 2025-11-26.

Conditions:
Hereditary cancer-predisposing syndrome. Also called: Tumor predisposition; Neoplastic Syndromes, Hereditary; Hereditary neoplastic syndrome; Hereditary Cancer Syndrome. Identifiers: Orphanet 140162, MedGen C0027672, MeSH D009386, MONDO:0015356.
Bloom syndrome (BLM). Also called: Bloom-Torre-Machacek syndrome. Identifiers: Orphanet 125, MedGen C0005859, MONDO:0008876, OMIM 210900.

Submissions (6):

Labcorp Genetics (formerly Invitae), Labcorp
Classification: Pathogenic for Bloom syndrome. Last evaluated: 2025-11-26. Review status: criteria provided, single submitter. Criteria: Invitae Variant Classification Sherloc (09022015). Collection method: clinical testing. Allele origin: germline.
Comment: This sequence change creates a premature translational stop signal (p.Arg364*) in the BLM gene. It is expected to result in an absent or disrupted protein product. Loss-of-function variants in BLM are known to be pathogenic (PMID: 17407155). This variant is not present in population databases (gnomAD no frequency). This premature translational stop signal has been observed in individual(s) with Bloom syndrome (PMID: 17407155). ClinVar contains an entry for this variant (Variation ID: 632671). For these reasons, this variant has been classified as Pathogenic.

Natera, Inc.
Classification: Pathogenic for Bloom syndrome. Last evaluated: 2024-06-17. Review status: criteria provided, single submitter. Criteria: Natera Variant Classification Schema (03/2026). Collection method: clinical testing. Allele origin: germline.
Comment: The c.1090A>T variant in BLM is a nonsense variant predicted to introduce a stop codon at amino acid 364. This variant is expected to result in nonsense mediated decay, truncation, or a dysfunctional protein product. This variant is rare in the general population with a frequency below the threshold expected for the associated phenotype(s). This variant has been observed in one or more individuals affected with the associated recessive disease, as either homozygous or compound heterozygous with a second variant (PMID: 17407155). Given the available evidence, this variant is classified as Pathogenic.

Baylor Genetics
Classification: Pathogenic for Bloom syndrome. Last evaluated: 2022-11-18. Review status: criteria provided, single submitter. Criteria: ACMG Guidelines, 2015. Collection method: clinical testing. Allele origin: unknown.

Fulgent Genetics
Classification: Likely pathogenic for Bloom syndrome. Last evaluated: 2022-05-25. Review status: criteria provided, single submitter. Criteria: ACMG Guidelines, 2015. Collection method: clinical testing. Allele origin: unknown.

Ambry Genetics
Classification: Pathogenic for Hereditary cancer-predisposing syndrome. Last evaluated: 2021-04-04. Review status: criteria provided, single submitter. Criteria: Ambry Variant Classification Scheme 2023. Collection method: clinical testing. Allele origin: germline.
Comment: The p.R364* pathogenic mutation (also known as c.1090A>T), located in coding exon 5 of the BLM gene, results from an A to T substitution at nucleotide position 1090. This changes the amino acid from an arginine to a stop codon within coding exon 5. This mutation has been identified in conjunction with a second truncating allele in an individual with Bloom syndrome (German J et al. Hum Mutat, 2007 Aug;28:743-53). This alteration is expected to result in loss of function by premature protein truncation or nonsense-mediated mRNA decay. As such, this alteration is interpreted as a disease-causing mutation.

Women's Health and Genetics/Laboratory Corporation of America, LabCorp
Classification: Likely pathogenic for Bloom syndrome. Last evaluated: 2017-10-30. Review status: criteria provided, single submitter. Criteria: LabCorp Variant Classification Summary - May 2015. Collection method: clinical testing. Allele origin: germline.
Comment: Variant summary: The c.1090A>T (p.Arg364*) variant in BLM gene is a nonsense change that results in the loss of the ~1054 amino acids of BLM protein (~75%). This change is predicted to cause loss of normal protein function through protein truncation or nonsense-mediated mRNA decay. The variant is absent from the large control population datasets of ExAC and gnomAD (~119228 and 246152 chrs tested, respectively). The c.1090A>T has been reported in at least one affected individual but has yet to be cited by reputable database/clinical laboratory. Other truncating variants, such as c.1284G>A (p.W428*) and c.1628T>A (p.L543*) have been reported in association with Bloom Syndrome. Taken together, the variant was classified as Likely Pathogenic.

Literature cited by the submitters: PubMed 17407155 (cited by 4 submitters); PubMed 26247052 (cited by Women's Health and Genetics/Laboratory Corporation of America, LabCorp); PubMed 26358404 (cited by Women's Health and Genetics/Laboratory Corporation of America, LabCorp); PubMed 25129257 (cited by Women's Health and Genetics/Laboratory Corporation of America, LabCorp).